The following is an entry in ClinVar:

ClinVar aggregate classification (germline): Uncertain significance (1 of 4 stars; one submission).

Conditions:
Epileptic encephalopathy. Identifiers: MedGen C0543888, HP:0200134.

Allele frequency attached by ClinVar (database versions not stated): gnomAD exomes 0.00001 and 0.00002.
gnomAD v4.1: 9 of 1,614,062 alleles (0.00056%); highest among the groups gnomAD compares: Non-Finnish European, 0.00076%; no homozygotes.

Submission:

Labcorp Genetics (formerly Invitae), Labcorp
Classification: Uncertain significance for Epileptic encephalopathy. Last evaluated: 2023-10-28. Review status: criteria provided, single submitter. Criteria: Invitae Variant Classification Sherloc (09022015). Collection method: clinical testing. Allele origin: germline.
Comment: This sequence change replaces threonine, which is neutral and polar, with alanine, which is neutral and non-polar, at codon 713 of the GABBR2 protein (p.Thr713Ala). This variant is present in population databases (no rsID available, gnomAD 0.002%). This variant has not been reported in the literature in individuals affected with GABBR2-related conditions. ClinVar contains an entry for this variant (Variation ID: 1376401). Advanced modeling of protein sequence and biophysical properties (such as structural, functional, and spatial information, amino acid conservation, physicochemical variation, residue mobility, and thermodynamic stability) performed at Invitae indicates that this missense variant is expected to disrupt GABBR2 protein function with a positive predictive value of 80%. In summary, the available evidence is currently insufficient to determine the role of this variant in disease. Therefore, it has been classified as a Variant of Uncertain Significance.

NM_005458.8(GABBR2):c.2137A>G (p.Thr713Ala)

Gene: GABBR2 (gamma-aminobutyric acid type B receptor subunit 2; minus strand). Cytogenetic location: 9q22.33.
Variant type: single nucleotide variant.
Coding change: c.2137A>G on transcript NM_005458.8 (MANE Select); coding-DNA position 2137, A replaced by G.
Protein change: p.Thr713Ala; replaces threonine 713 with alanine.
Molecular consequence: missense variant.
Genome position (GRCh38, 1-based): chr9:98,306,213, T>C on the plus strand (A>G on the coding strand, the complement: GABBR2 is on the minus strand). VCF-style: chr9-98306213-T-C. GRCh37 (hg19) VCF-style: chr9-101068495-T-C.
Other names: short protein forms T713A.
Identifiers: ClinVar variation 1376401 (VCV001376401.6), dbSNP rs1433245976, ClinGen allele CA374199377.